The following is an entry in ClinVar:

ClinVar aggregate classification (germline): Uncertain significance (1 of 4 stars; one submission).

gnomAD v4.1: 1 of 1,493,234 alleles (0.000067%); highest among the groups gnomAD compares: South Asian, 0.0013%; no homozygotes.

Submission:

Labcorp Genetics (formerly Invitae), Labcorp
Classification: Uncertain significance. Last evaluated: 2023-02-11. Review status: criteria provided, single submitter. Criteria: Invitae Variant Classification Sherloc (09022015). Collection method: clinical testing. Allele origin: germline.
Comment: In summary, the available evidence is currently insufficient to determine the role of this variant in disease. Therefore, it has been classified as a Variant of Uncertain Significance. Advanced modeling of protein sequence and biophysical properties (such as structural, functional, and spatial information, amino acid conservation, physicochemical variation, residue mobility, and thermodynamic stability) performed at Invitae indicates that this missense variant is not expected to disrupt SIX5 protein function. This variant has not been reported in the literature in individuals affected with SIX5-related conditions. This variant is not present in population databases (gnomAD no frequency). This sequence change replaces proline, which is neutral and non-polar, with serine, which is neutral and polar, at codon 432 of the SIX5 protein (p.Pro432Ser).

NM_175875.5(SIX5):c.1294C>T (p.Pro432Ser)

Gene: SIX5 (SIX homeobox 5; minus strand). Cytogenetic location: 19q13.32.
Variant type: single nucleotide variant.
Coding change: c.1294C>T on transcript NM_175875.5 (MANE Select); coding-DNA position 1294, C replaced by T.
Protein change: p.Pro432Ser; replaces proline 432 with serine.
Molecular consequence: missense variant.
Genome position (GRCh38, 1-based): chr19:45,766,665, G>A on the plus strand (C>T on the coding strand, the complement: SIX5 is on the minus strand). VCF-style: chr19-45766665-G-A. GRCh37 (hg19) VCF-style: chr19-46269923-G-A.
Other names: short protein forms P432S.
Identifiers: ClinVar variation 2794405 (VCV002794405.3), dbSNP rs1177434435, ClinGen allele CA406418614.